The following is an entry in ClinVar:

ClinVar aggregate classification (germline): Pathogenic/Likely pathogenic. Review status: criteria provided, multiple submitters, no conflicts (2 of 4 stars). 4 submissions from 4 submitters: Pathogenic (2); Likely pathogenic (2). Last evaluated 2026-01-27.

Conditions:
Sweeney-Cox syndrome. Identifiers: MedGen C4540299, MONDO:0060592, OMIM 617746.
Saethre-Chotzen syndrome (SCS). Also called: ACROCEPHALY, SKULL ASYMMETRY, AND MILD SYNDACTYLY; ACS III; CHOTZEN SYNDROME. Identifiers: Orphanet 794, MedGen C0175699, MONDO:0007042, OMIM 101400.
TWIST1-related craniosynostosis (CRS1). Also called: CRANIOSYNOSTOSIS 1. Identifiers: Orphanet 63440, MedGen C4551902, MONDO:0007399, OMIM 123100. Inheritance: Heterogenous inheritance pattern.

Submissions (4):

MVZ Martinsried, Medicover Genetics
Classification: Likely pathogenic for Saethre-Chotzen syndrome. Last evaluated: 2026-01-27. Review status: criteria provided, single submitter. Criteria: ClinGen Variant Curation SOP V3.2 + Classification Guidance July2025. Collection method: clinical testing. Allele origin: unknown. Affected: yes. Observed: 1 heterozygote.

Labcorp Genetics (formerly Invitae), Labcorp
Classification: Pathogenic for TWIST1-related craniosynostosis; Saethre-Chotzen syndrome. Last evaluated: 2024-12-19. Review status: criteria provided, single submitter. Criteria: Invitae Variant Classification Sherloc (09022015). Collection method: clinical testing. Allele origin: germline.
Comment: This sequence change creates a premature translational stop signal (p.Gln161*) in the TWIST1 gene. It is expected to result in an absent or disrupted protein product. Loss-of-function variants in TWIST1 are known to be pathogenic (PMID: 10749989). This variant is not present in population databases (gnomAD no frequency). This premature translational stop signal has been observed in individual(s) with Saethre-Chotzen syndrome (PMID: 9585583). ClinVar contains an entry for this variant (Variation ID: 3235827). For these reasons, this variant has been classified as Pathogenic.

GeneDx
Classification: Likely pathogenic. Last evaluated: 2024-09-04. Review status: criteria provided, single submitter. Criteria: GeneDx Variant Classification Process June 2021. Collection method: clinical testing. Allele origin: germline. Affected: yes.
Comment: Nonsense variant predicted to result in protein truncation, as the last 42 amino acids are lost, and other loss-of-function variants have been reported downstream in HGMD; Not observed at significant frequency in large population cohorts (gnomAD); This variant is associated with the following publications: (PMID: 9585583)

Greenwood Genetic Center Diagnostic Laboratories, Greenwood Genetic Center
Classification: Pathogenic for Sweeney-Cox syndrome. Last evaluated: 2024-03-29. Review status: criteria provided, single submitter. Criteria: ACMG Guidelines, 2015. Collection method: clinical testing. Allele origin: germline. Affected: yes.
Comment: PVS1, PS4_Supporting, PM2

Literature cited by the submitters: PubMed 10749989 (cited by Labcorp Genetics (formerly Invitae), Labcorp); PubMed 9585583 (cited by Labcorp Genetics (formerly Invitae), Labcorp).

NM_000474.4(TWIST1):c.481C>T (p.Gln161Ter)

Genes: TWIST1 (twist family bHLH transcription factor 1; minus strand), LOC129998021 (ATAC-STARR-seq lymphoblastoid active region 25682; plus strand). Cytogenetic location: 7p21.1.
Variant type: single nucleotide variant.
Coding change: c.481C>T on transcript NM_000474.4 (MANE Select); coding-DNA position 481, C replaced by T.
Protein change: p.Gln161Ter; replaces glutamine 161 with a stop codon.
Molecular consequence: nonsense. On other transcripts: non-coding transcript variant (1).
Genome position (GRCh38, 1-based): chr7:19,116,841, G>A on the plus strand (C>T on the coding strand, the complement: TWIST1 is on the minus strand). VCF-style: chr7-19116841-G-A. GRCh37 (hg19) VCF-style: chr7-19156464-G-A.
Other names: c.481C>T (NM_000474.3); short protein forms Q161*.
Identifiers: ClinVar variation 3235827 (VCV003235827.5), dbSNP rs1372603694, ClinGen allele CA367015341.